The following is an entry in ClinVar:

ClinVar aggregate classification (germline): Benign/Likely benign. Review status: criteria provided, multiple submitters, no conflicts (2 of 4 stars). 7 submissions from 7 submitters: Benign (1); Likely benign (5). 1 of the submissions does not count toward it. Last evaluated 2026-01-19.

Conditions:
FH-related disorder. Also called: FH-related condition; FH-related disorders.
Hereditary cancer-predisposing syndrome. Also called: Neoplastic Syndromes, Hereditary; Tumor predisposition; Hereditary Cancer Syndrome; Hereditary neoplastic syndrome. Identifiers: Orphanet 140162, MedGen C0027672, MeSH D009386, MONDO:0015356.
Hereditary leiomyomatosis and renal cell cancer. Also called: LEIOMYOMA, MULTIPLE CUTANEOUS; Familial leiomyomatosis; MULTIPLE CUTANEOUS AND UTERINE LEIOMYOMATA 1, WITH OR WITHOUT RENAL CELL CARCINOMA; Multiple cutaneous leiomyomas; FH tumor predisposition syndrome; Reed syndrome. Identifiers: Orphanet 523, MedGen C1708350, MONDO:0007888, OMIM 150800, HP:0007437. Disease mechanism: loss of function.

Allele frequency attached by ClinVar (database versions not stated): ExAC 0.00002; gnomAD exomes 0.00002 and 0.00005; gnomAD 0.00005; TOPMed 0.00005; ESP Exome Variant Server 0.00015.
gnomAD v4.1: 85 of 1,613,238 alleles (0.0053%); highest among the groups gnomAD compares: Non-Finnish European, 0.0068%; no homozygotes.

Submissions (7):

Labcorp Genetics (formerly Invitae), Labcorp
Classification: Likely benign. Last evaluated: 2026-01-19. Review status: criteria provided, single submitter. Criteria: Invitae Variant Classification Sherloc (09022015). Collection method: clinical testing. Allele origin: germline.

Myriad Genetics, Inc.
Classification: Benign for Hereditary leiomyomatosis and renal cell cancer. Last evaluated: 2024-10-21. Review status: criteria provided, single submitter. Criteria: Myriad Autosomal Dominant, Autosomal Recessive and X-Linked Classification Criteria (2023). Collection method: clinical testing. Allele origin: unknown.
Comment: This variant is considered benign. This variant is a silent/synonymous amino acid change and it is not expected to impact splicing.

Blueprint Genetics
Classification: Likely benign. Last evaluated: 2022-08-16. Review status: criteria provided, single submitter. Criteria: ACMG Guidelines, 2015. Collection method: clinical testing. Allele origin: germline.

Sema4
Classification: Likely benign for Hereditary cancer-predisposing syndrome. Last evaluated: 2021-06-20. Review status: criteria provided, single submitter. Criteria: Sema4 Curation Guidelines. Collection method: curation. Allele origin: germline.

GeneDx
Classification: Likely benign. Last evaluated: 2021-02-08. Review status: criteria provided, single submitter. Criteria: GeneDx Variant Classification Process June 2021. Collection method: clinical testing. Allele origin: germline. Affected: yes.

Ambry Genetics
Classification: Likely benign for Hereditary cancer-predisposing syndrome. Last evaluated: 2015-09-04. Review status: criteria provided, single submitter. Criteria: Ambry Variant Classification Scheme 2023. Collection method: clinical testing. Allele origin: germline.

PreventionGenetics, part of Exact Sciences
Classification: Likely benign for FH-related condition. Last evaluated: 2023-09-13. Review status: no assertion criteria provided. Collection method: clinical testing. Allele origin: germline. Not counted in ClinVar's aggregate classification.
Comment: This variant is classified as likely benign based on ACMG/AMP sequence variant interpretation guidelines (Richards et al. 2015 PMID: 25741868, with internal and published modifications).

NM_000143.4(FH):c.1314C>T (p.Ile438=)

Gene: FH (fumarate hydratase; minus strand). Cytogenetic location: 1q43.
Variant type: single nucleotide variant.
Coding change: c.1314C>T on transcript NM_000143.4 (MANE Select); coding-DNA position 1314, C replaced by T.
Protein change: p.Ile438=; no amino-acid change (isoleucine 438 retained).
Molecular consequence: synonymous variant.
Genome position (GRCh38, 1-based): chr1:241,500,513, G>A on the plus strand (C>T on the coding strand, the complement: FH is on the minus strand). VCF-style: chr1-241500513-G-A. GRCh37 (hg19) VCF-style: chr1-241663813-G-A.
Identifiers: ClinVar variation 413604 (VCV000413604.24), dbSNP rs140873869, ClinGen allele CA1478480.